The following is an entry in ClinVar:

NM_022095.4(ZNF335):c.1623C>T (p.His541=)

Gene: ZNF335 (zinc finger protein 335; minus strand). Cytogenetic location: 20q13.12.
Variant type: single nucleotide variant.
Coding change: c.1623C>T on transcript NM_022095.4 (MANE Select); coding-DNA position 1623, C replaced by T.
Protein change: p.His541=; no amino-acid change (histidine 541 retained).
Molecular consequence: synonymous variant.
Genome position (GRCh38, 1-based): chr20:45,962,093, G>A on the plus strand (C>T on the coding strand, the complement: ZNF335 is on the minus strand). VCF-style: chr20-45962093-G-A. GRCh37 (hg19) VCF-style: chr20-44590732-G-A.
Identifiers: ClinVar variation 130794 (VCV000130794.18), dbSNP rs16990964, ClinGen allele CA156078.

ClinVar aggregate classification (germline): Benign. Review status: criteria provided, multiple submitters, no conflicts (2 of 4 stars). 5 submissions from 5 submitters: Benign (4). 1 of the submissions does not count toward it. Last evaluated 2026-02-01.

Conditions:
Microcephalic primordial dwarfism due to ZNF335 deficiency. Also called: Primary autosomal recessive microcephaly 10. Identifiers: Orphanet 329228, MedGen C3554499, MONDO:0014043, OMIM 615095.

Allele frequency attached by ClinVar (database versions not stated): gnomAD 0.03634 and 0.03578; 1000 Genomes Project 30x 0.04903; ExAC 0.02354; ESP Exome Variant Server 0.03568; gnomAD exomes 0.01488 and 0.02187; TOPMed 0.03529; 1000 Genomes Project 0.04872.

Submissions (5):

Labcorp Genetics (formerly Invitae), Labcorp
Classification: Benign. Last evaluated: 2026-02-01. Review status: criteria provided, single submitter. Criteria: Invitae Variant Classification Sherloc (09022015). Collection method: clinical testing. Allele origin: germline.

Genome-Nilou Lab
Classification: Benign for Microcephalic primordial dwarfism due to ZNF335 deficiency. Last evaluated: 2021-12-05. Review status: criteria provided, single submitter. Criteria: ACMG Guidelines, 2015. Collection method: clinical testing. Allele origin: germline. Affected: no.

GeneDx
Classification: Benign. Last evaluated: 2018-09-22. Review status: criteria provided, single submitter. Criteria: GeneDx Variant Classification Process June 2021. Collection method: clinical testing. Allele origin: germline. Affected: yes.

Breakthrough Genomics
Classification: Benign. Review status: criteria provided, single submitter. Criteria: ACMG Guidelines, 2015. Collection method: not provided. Allele origin: germline. Inheritance: Autosomal recessive inheritance. Affected: yes.

Genetic Services Laboratory, University of Chicago
Classification: Likely benign for AllHighlyPenetrant. Review status: no assertion criteria provided. Collection method: clinical testing. Allele origin: germline. Inheritance: Autosomal recessive inheritance. Not counted in ClinVar's aggregate classification.
Comment: Likely benign based on allele frequency in 1000 Genomes Project or ESP global frequency and its presence in a patient with a rare or unrelated disease phenotype. NOT Sanger confirmed.